The following is an entry in ClinVar:

ClinVar aggregate classification (germline): Uncertain significance (1 of 4 stars; one submission).

Conditions:
Hereditary cancer-predisposing syndrome. Also called: Neoplastic Syndromes, Hereditary; Tumor predisposition; Hereditary neoplastic syndrome; Hereditary Cancer Syndrome. Identifiers: Orphanet 140162, MedGen C0027672, MeSH D009386, MONDO:0015356.

Submission:

Ambry Genetics
Classification: Uncertain significance for Hereditary cancer-predisposing syndrome. Last evaluated: 2026-07-06. Review status: criteria provided, single submitter. Criteria: Ambry Variant Classification Scheme 2023. Collection method: clinical testing. Allele origin: germline.
Comment: The p.A332S variant (also known as c.994G>T), located in coding exon 7 of the FH gene, results from a G to T substitution at nucleotide position 994. The alanine at codon 332 is replaced by serine, an amino acid with similar properties. This amino acid position is conserved. In addition, this alteration is predicted to be deleterious by in silico analysis. Based on the available evidence, the clinical significance of this variant remains unclear.

NM_000143.4(FH):c.994G>T (p.Ala332Ser)

Gene: FH (fumarate hydratase; minus strand). Cytogenetic location: 1q43.
Variant type: single nucleotide variant.
Coding change: c.994G>T on transcript NM_000143.4 (MANE Select); coding-DNA position 994, G replaced by T.
Protein change: p.Ala332Ser; replaces alanine 332 with serine.
Molecular consequence: missense variant.
Genome position (GRCh38, 1-based): chr1:241,504,156, C>A on the plus strand (G>T on the coding strand, the complement: FH is on the minus strand). VCF-style: chr1-241504156-C-A. GRCh37 (hg19) VCF-style: chr1-241667456-C-A.
Other names: short protein forms A332S.
Identifiers: ClinVar variation 5021740 (VCV005021740.1).